The following is an entry in ClinVar:

ClinVar aggregate classification (germline): Uncertain significance. Review status: criteria provided, multiple submitters, no conflicts (2 of 4 stars). 2 submissions from 2 submitters: Uncertain significance (2). Last evaluated 2026-01-01.

Conditions:
Tuberous sclerosis 2 (TSC2). Identifiers: Orphanet 805, MedGen C1860707, MONDO:0013199, OMIM 613254.

Submissions (2):

CeGaT Center for Human Genetics Tuebingen
Classification: Uncertain significance. Last evaluated: 2026-01-01. Review status: criteria provided, single submitter. Criteria: CeGaT Center For Human Genetics Tuebingen Variant Classification Criteria Version 2. Collection method: clinical testing. Allele origin: germline. Affected: yes. Observed: 1 variant allele.
Comment: TSC2: PM2

Labcorp Genetics (formerly Invitae), Labcorp
Classification: Uncertain significance for Tuberous sclerosis 2. Last evaluated: 2023-02-06. Review status: criteria provided, single submitter. Criteria: Invitae Variant Classification Sherloc (09022015). Collection method: clinical testing. Allele origin: germline.
Comment: This sequence change replaces leucine, which is neutral and non-polar, with valine, which is neutral and non-polar, at codon 387 of the TSC2 protein (p.Leu387Val). This variant is not present in population databases (gnomAD no frequency). This variant has not been reported in the literature in individuals affected with TSC2-related conditions. Advanced modeling of protein sequence and biophysical properties (such as structural, functional, and spatial information, amino acid conservation, physicochemical variation, residue mobility, and thermodynamic stability) performed at Invitae indicates that this missense variant is not expected to disrupt TSC2 protein function. In summary, the available evidence is currently insufficient to determine the role of this variant in disease. Therefore, it has been classified as a Variant of Uncertain Significance.

NM_000548.5(TSC2):c.1159C>G (p.Leu387Val)

Gene: TSC2 (TSC complex subunit 2; plus strand). Cytogenetic location: 16p13.3.
Variant type: single nucleotide variant.
Coding change: c.1159C>G on transcript NM_000548.5 (MANE Select); coding-DNA position 1159, C replaced by G.
Protein change: p.Leu387Val; replaces leucine 387 with valine.
Molecular consequence: missense variant. On other transcripts: 5 prime UTR variant (10), non-coding transcript variant (5).
Genome position (GRCh38, 1-based): chr16:2,061,910, C>G. VCF-style: chr16-2061910-C-G. GRCh37 (hg19) VCF-style: chr16-2111911-C-G.
Other names: c.559C>G, p.Leu187Val (NM_001406680.1, NM_001406682.1, NM_001406683.1 and 6 more transcripts); c.697C>G, p.Leu233Val (NM_001406681.1); c.1012C>G, p.Leu338Val (NM_001406679.1, NM_001318829.2, NM_001406675.1 and 1 more transcripts); c.1159C>G, p.Leu387Val (NM_001077183.3, NM_001114382.3, NM_001363528.2 and 6 more transcripts); c.1048C>G, p.Leu350Val (NM_001318827.2, NM_001406670.1, NM_001406678.1); c.1192C>G, p.Leu398Val (NM_001318832.2); c.1249C>G, p.Leu417Val (NM_001406667.1, NM_001406668.1); c.1147C>G, p.Leu383Val (NM_001406671.1, NM_001406673.1); and 4 more; short protein forms L187V, L233V, L368V, L398V, L338V, L387V, L383V, L350V.
Identifiers: ClinVar variation 2834937 (VCV002834937.7), dbSNP rs1307333182, ClinGen allele CA394320183.
Genomic context (GRCh38, chr16:2,061,910, plus strand): 5'-TCATCGTGCCTGGTACTGCAGACCTTGGACAGCCCGGAGCTCAGGACCATCGTCCATGAC[C>G]TGTTGACCACGGTGGAGGAGCTGTGTGACCAGAACGAGTTCCACGGGTCTCAGGAGAGAT-3'
Protein context (NP_000539.2, residues 377-397): SPELRTIVHD[Leu387Val]LTTVEELCDQ